The following is an entry in ClinVar:

NM_001177676.2(GPR68):c.360C>T (p.Tyr120=)

Gene: GPR68 (G protein-coupled receptor 68; minus strand). Cytogenetic location: 14q32.11.
Variant type: single nucleotide variant.
Coding change: c.360C>T on transcript NM_001177676.2 (MANE Select); coding-DNA position 360, C replaced by T.
Protein change: p.Tyr120=; no amino-acid change (tyrosine 120 retained).
Molecular consequence: synonymous variant.
Genome position (GRCh38, 1-based): chr14:91,234,691, G>A on the plus strand (C>T on the coding strand, the complement: GPR68 is on the minus strand). VCF-style: chr14-91234691-G-A. GRCh37 (hg19) VCF-style: chr14-91701035-G-A.
Other names: c.360C>T, p.Tyr120= (NM_001348437.1, NM_003485.3).
Identifiers: ClinVar variation 3050080 (VCV003050080.2), dbSNP rs894327485, ClinGen allele CA265534138.

ClinVar aggregate classification (germline): Likely benign (0 of 4 stars; one submission).

Conditions:
GPR68-related disorder. Also called: GPR68-related condition.

Allele frequency attached by ClinVar (database versions not stated): gnomAD 0.00001; gnomAD exomes 0.00001.

Submission:

PreventionGenetics, part of Exact Sciences
Classification: Likely benign for GPR68-related condition. Last evaluated: 2019-07-22. Review status: no assertion criteria provided. Collection method: clinical testing. Allele origin: germline.
Comment: This variant is classified as likely benign based on ACMG/AMP sequence variant interpretation guidelines (Richards et al. 2015 PMID: 25741868, with internal and published modifications).